The following is an entry in ClinVar:

NM_006015.6(ARID1A):c.245G>A (p.Gly82Asp)

Gene: ARID1A (AT-rich interaction domain 1A; plus strand). Cytogenetic location: 1p36.11.
Variant type: single nucleotide variant.
Coding change: c.245G>A on transcript NM_006015.6 (MANE Select); coding-DNA position 245, G replaced by A.
Protein change: p.Gly82Asp; replaces glycine 82 with aspartic acid.
Molecular consequence: missense variant.
Genome position (GRCh38, 1-based): chr1:26,696,648, G>A. VCF-style: chr1-26696648-G-A. GRCh37 (hg19) VCF-style: chr1-27023139-G-A.
Other names: c.245G>A, p.Gly82Asp (NM_139135.4); short protein forms G82D.
Identifiers: ClinVar variation 4797925 (VCV004797925.2).
Genomic context (GRCh38, chr1:26,696,648, plus strand): 5'-CCGTGGGGCCGCCGCAGCCGCTGGGAAAGGAGCTGCAGGACGGGGCCGAGAGCAATGGGG[G>A]TGGCGGCGGCGGCGGAGCCGGCAGCGGCGGCGGGCCCGGCGCGGAGCCGGACCTGAAGAA-3'
Protein context (NP_006006.3, residues 72-92): ELQDGAESNG[Gly82Asp]GGGGGAGSGG

ClinVar aggregate classification (germline): Conflicting classifications of pathogenicity. Review status: criteria provided, conflicting classifications (1 of 4 stars). 2 submissions from 2 submitters: Uncertain significance (1); Benign (1). Last evaluated 2026-04-24.

Submissions (2):

Greenwood Genetic Center Diagnostic Laboratories, Greenwood Genetic Center
Classification: Uncertain significance. Last evaluated: 2026-04-24. Review status: criteria provided, single submitter. Criteria: ACMG Guidelines, 2015. Collection method: clinical testing. Allele origin: germline.
Comment: PM2, BP4, PP2

Labcorp Genetics (formerly Invitae), Labcorp
Classification: Benign. Last evaluated: 2025-02-10. Review status: criteria provided, single submitter. Criteria: Invitae Variant Classification Sherloc (09022015). Collection method: clinical testing. Allele origin: germline.